The following is an entry in ClinVar:

ClinVar aggregate classification (germline): Uncertain significance (1 of 4 stars; one submission).

Conditions:
ARMC5-related disorder. Also called: ARMC5-related condition.

Allele frequency attached by ClinVar (database versions not stated): gnomAD 0.00007; gnomAD exomes 0.00007; TOPMed 0.00008; ExAC 0.00011; ESP Exome Variant Server 0.00017.
gnomAD v4.1: 113 of 1,597,716 alleles (0.0071%); highest among the groups gnomAD compares: Non-Finnish European, 0.0092%; no homozygotes.

Submission:

PreventionGenetics, part of Exact Sciences
Classification: Uncertain significance for ARMC5-related condition. Last evaluated: 2022-09-29. Review status: criteria provided, single submitter. Criteria: ACMG Guidelines, 2015. Collection method: clinical testing. Allele origin: germline.
Comment: The ARMC5 c.1505G>A variant is predicted to result in the amino acid substitution p.Arg502His. To our knowledge, this variant has not been reported in the literature. This variant is reported in 0.012% of alleles in individuals of European (Non-Finnish) descent in gnomAD. At this time, the clinical significance of this variant is uncertain due to the absence of conclusive functional and genetic evidence.

NM_001105247.2(ARMC5):c.1505G>A (p.Arg502His)

Gene: ARMC5 (armadillo repeat containing 5; plus strand). Cytogenetic location: 16p11.2.
Variant type: single nucleotide variant.
Coding change: c.1505G>A on transcript NM_001105247.2 (MANE Select); coding-DNA position 1505, G replaced by A.
Protein change: p.Arg502His; replaces arginine 502 with histidine.
Molecular consequence: missense variant.
Genome position (GRCh38, 1-based): chr16:31,464,528, G>A. VCF-style: chr16-31464528-G-A. GRCh37 (hg19) VCF-style: chr16-31475849-G-A.
Other names: c.1790G>A, p.Arg597His (NM_001288767.2); c.1601G>A, p.Arg534His (NM_001301820.1); c.1505G>A, p.Arg502His (NM_024742.2); short protein forms R502H, R534H, R597H.
Identifiers: ClinVar variation 2635910 (VCV002635910.1), dbSNP rs200054015, ClinGen allele CA8029707.